The following is an entry in ClinVar:

NM_000384.3(APOB):c.4656T>C (p.Ser1552=)

Gene: APOB (apolipoprotein B; minus strand). Cytogenetic location: 2p24.1.
Variant type: single nucleotide variant.
Coding change: c.4656T>C on transcript NM_000384.3 (MANE Select); coding-DNA position 4656, T replaced by C.
Protein change: p.Ser1552=; no amino-acid change (serine 1552 retained).
Molecular consequence: synonymous variant.
Genome position (GRCh38, 1-based): chr2:21,012,212, A>G on the plus strand (T>C on the coding strand, the complement: APOB is on the minus strand). VCF-style: chr2-21012212-A-G. GRCh37 (hg19) VCF-style: chr2-21235084-A-G.
Identifiers: ClinVar variation 334141 (VCV000334141.22), dbSNP rs761580028, ClinGen allele CA061185.

ClinVar aggregate classification (germline): Conflicting classifications of pathogenicity. Review status: criteria provided, conflicting classifications (1 of 4 stars). 6 submissions from 5 submitters: Uncertain significance (2); Likely benign (4). Last evaluated 2026-02-02.

Conditions:
Familial hypobetalipoproteinemia 1. Also called: Hypobetalipoproteinemia, normotriglyceridemic; Acanthocytosis with hypobetalipoproteinemia; APOB-Related Familial Hypobetalipoproteinemia. Identifiers: MedGen C4551990, MONDO:0014252, OMIM 615558.
Familial hypercholesterolemia. Also called: Familial hypercholesterolemias; Familial hypercholesterolaemia. Identifiers: MedGen C0020445, MONDO:0005439.
Hypercholesterolemia, autosomal dominant, type B (FHCL2). Also called: Familial Hypercholesterolemia Type B; APOLIPOPROTEIN B-100, FAMILIAL DEFECTIVE; APOLIPOPROTEIN B-100, FAMILIAL LIGAND-DEFECTIVE; HYPERCHOLESTEROLEMIA, FAMILIAL, DUE TO LIGAND-DEFECTIVE APOLIPOPROTEIN B; APOB-Related Familial Hypercholesterolemia, Autosomal Dominant; Familial hypercholesterolemia 2. Identifiers: MedGen C1704417, MONDO:0007751, OMIM 144010.
Cardiovascular phenotype. Identifiers: MedGen CN230736.

Allele frequency attached by ClinVar (database versions not stated): ExAC 0.00001; gnomAD 0.00002 and 0.00003; gnomAD exomes 0.00003 and 0.00011; TOPMed 0.00003.
gnomAD v4.1: 163 of 1,605,332 alleles (0.01%); highest among the groups gnomAD compares: Non-Finnish European, 0.013%; no homozygotes.

Submissions (6):

Labcorp Genetics (formerly Invitae), Labcorp
Classification: Likely benign for Familial hypobetalipoproteinemia 1; Hypercholesterolemia, autosomal dominant, type B. Last evaluated: 2026-02-02. Review status: criteria provided, single submitter. Criteria: Invitae Variant Classification Sherloc (09022015). Collection method: clinical testing. Allele origin: germline.

GENinCode PLC
Classification: Likely benign for Familial hypercholesterolemia. Last evaluated: 2023-06-27. Review status: criteria provided, single submitter. Criteria: ACMG Guidelines, 2015. Collection method: clinical testing. Allele origin: germline.
Comment: This is a synonymous (silent) variant that is not predicted by SpliceAI to impact splicing. In addition, it occurs at a nucleotide that is not conserved. Therefore this variant has been classified as Likely Benign (BP4, BP7).

Blueprint Genetics
Classification: Likely benign. Last evaluated: 2022-01-26. Review status: criteria provided, single submitter. Criteria: ACMG Guidelines, 2015. Collection method: clinical testing. Allele origin: germline.

Ambry Genetics
Classification: Likely benign for Cardiovascular phenotype. Last evaluated: 2021-12-23. Review status: criteria provided, single submitter. Criteria: Ambry Variant Classification Scheme 2023. Collection method: clinical testing. Allele origin: germline.

Illumina Laboratory Services, Illumina
Classification: Uncertain significance for Hypercholesterolemia, autosomal dominant, type B. Last evaluated: 2018-01-12. Review status: criteria provided, single submitter. Criteria: ICSL Variant Classification Criteria 13 December 2019. Collection method: clinical testing. Allele origin: germline.

Illumina Laboratory Services, Illumina
Classification: Uncertain significance for Familial hypobetalipoproteinemia 1. Last evaluated: 2018-01-12. Review status: criteria provided, single submitter. Criteria: ICSL Variant Classification Criteria 13 December 2019. Collection method: clinical testing. Allele origin: germline.